The following is an entry in ClinVar:

NM_006516.4(SLC2A1):c.1028dup (p.Met344fs)

Gene: SLC2A1 (solute carrier family 2 member 1; minus strand). Cytogenetic location: 1p34.2.
Variant type: Duplication.
Coding change: c.1028dup on transcript NM_006516.4 (MANE Select); coding-DNA position 1028, one base duplicated (G; older notation c.1028dupG).
Protein change: p.Met344fs; shifts the reading frame from methionine 344.
Molecular consequence: frameshift variant.
Genome position (GRCh38, 1-based): chr1:42,928,978, C duplicated on the plus strand (G on the coding strand, the reverse complement: SLC2A1 is on the minus strand); the first of 2 consecutive C bases (chr1:42,928,978-42,928,979); duplicating either gives the same sequence. VCF-style (leftmost placement, unchanged base first): chr1-42928977-G-GC. GRCh37 (hg19) VCF-style: chr1-43394648-G-GC.
Other names: short protein forms M344fs.
Identifiers: ClinVar variation 973266 (VCV000973266.5), dbSNP rs1643457017, ClinGen allele CA1139656057.
Genomic context (GRCh38, chr1:42,928,977, plus strand): 5'-AACCTAGCAACTCACCAGCAGTGCTAGCGCGATGGTCATGAGTATGGCACAACCCGCCAT[G>GC]CCAGCGAGGCCTATGAGGTGCAGGGTCCGCCGGCCTGCTCGCTCCACCACAAACAGCTGT-3'

ClinVar aggregate classification (germline): Pathogenic (1 of 4 stars; one submission).

Conditions:
Dystonia 9 (DYT9). Also called: CHOREOATHETOSIS, KINESIGENIC, WITH EPISODIC ATAXIA AND SPASTICITY. Identifiers: Orphanet 53583, MedGen C1832855, MONDO:0010983, OMIM 601042.
Hereditary cryohydrocytosis with reduced stomatin. Also called: Stomatin-deficient cryohydrocytosis with neurologic defects; GLUT1 DEFICIENCY SYNDROME WITH PSEUDOHYPERKALEMIA AND HEMOLYSIS. Identifiers: Orphanet 168577, MedGen C1837206, MONDO:0012143, OMIM 608885.
Encephalopathy due to GLUT1 deficiency. Also called: GLUT1 deficiency syndrome 1; De Vivo disease; Glucose transporter protein syndrome; GLUT1 deficiency syndrome 1, infantile onset, severe; Classic Glucose Transporter Type 1 Deficiency Syndrome; GLUCOSE TRANSPORT DEFECT, BLOOD-BRAIN BARRIER. Identifiers: Orphanet 71277, MedGen C4551966, MONDO:0011724, OMIM 606777.
Childhood onset GLUT1 deficiency syndrome 2. Also called: Paroxysmal exercise-induced dystonia; Exertion-induced paroxysmal dyskinesia; GLUT1 deficiency syndrome 2; PAROXYSMAL EXERCISE-INDUCED DYSKINESIA WITH OR WITHOUT EPILEPSY AND/OR HEMOLYTIC ANEMIA; PAROXYSMAL EXERTION-INDUCED DYSTONIA WITH OR WITHOUT EPILEPSY AND/OR HEMOLYTIC ANEMIA; PED WITH OR WITHOUT EPILEPSY AND/OR HEMOLYTIC ANEMIA. Identifiers: Orphanet 98811, MedGen C1842534, MONDO:0012805, OMIM 612126.

Submission:

Institute for Genomic Medicine (IGM) Clinical Laboratory, Nationwide Children's Hospital
Classification: Pathogenic for Encephalopathy due to GLUT1 deficiency; Childhood onset GLUT1 deficiency syndrome 2; Dystonia 9; Hereditary cryohydrocytosis with reduced stomatin. Last evaluated: 2018-10-30. Review status: criteria provided, single submitter. Criteria: ACMG Guidelines, 2015. Collection method: clinical testing. Allele origin: germline. Affected: yes.
Comment: [ACMG/AMP: PVS1, PS2, PM2] This alteration is a null variant in a gene where LOF is a known mechanism of disease [PVS1], is de novo in origin as it was not detected in the submitted parental specimens (identity confirmed) [PS2], is absent from or rarely observed in large-scale population databases [PM2].